The following is an entry in ClinVar:

NM_001365902.3(NFIX):c.520G>T (p.Glu174Ter)

Gene: NFIX (nuclear factor I X; plus strand). Cytogenetic location: 19p13.13.
Variant type: single nucleotide variant.
Coding change: c.520G>T on transcript NM_001365902.3 (MANE Select); coding-DNA position 520, G replaced by T.
Protein change: p.Glu174Ter; replaces glutamic acid 174 with a stop codon.
Molecular consequence: nonsense.
Genome position (GRCh38, 1-based): chr19:13,025,513, G>T. VCF-style: chr19-13025513-G-T. GRCh37 (hg19) VCF-style: chr19-13136327-G-T.
Other names: c.544G>T, p.Glu182Ter (NM_001271043.2); c.496G>T, p.Glu166Ter (NM_001271044.3, NM_001378404.1); c.520G>T, p.Glu174Ter (NM_001365982.2, NM_002501.4); c.379G>T, p.Glu127Ter (NM_001365983.2); c.517G>T, p.Glu173Ter (NM_001365984.2, NM_001365985.2); c.568G>T, p.Glu190Ter (NM_001378405.1); short protein forms E174*, E182*, E173*, E127*, E166*, E190*.
Identifiers: ClinVar variation 191097 (VCV000191097.4), dbSNP rs786205515, ClinGen allele CA236007.

ClinVar aggregate classification (germline): Pathogenic/Likely pathogenic. Review status: criteria provided, multiple submitters, no conflicts (2 of 4 stars). 2 submissions from 2 submitters: Pathogenic (1); Likely pathogenic (1). Last evaluated 2023-05-17.

Submissions (2):

GeneDx
Classification: Pathogenic. Last evaluated: 2023-05-17. Review status: criteria provided, single submitter. Criteria: GeneDx Variant Classification Process June 2021. Collection method: clinical testing. Allele origin: germline. Affected: yes.
Comment: Not observed at significant frequency in large population cohorts (gnomAD); Nonsense variant predicted to result in protein truncation or nonsense mediated decay in a gene for which loss-of-function is a known mechanism of disease; This variant is associated with the following publications: (PMID: 26112015, 29897170, 29620724)

Genomic Medicine Center of Excellence, King Faisal Specialist Hospital and Research Centre
Classification: Likely pathogenic. Review status: criteria provided, single submitter. Criteria: ACMG Guidelines, 2015. Collection method: research. Allele origin: germline. Affected: yes.